The following is an entry in ClinVar:

NM_001386298.1(CIC):c.3719del (p.Pro1240fs)

Gene: CIC (capicua transcriptional repressor; plus strand). Cytogenetic location: 19q13.2.
Variant type: Deletion.
Coding change: c.3719del on transcript NM_001386298.1 (MANE Select); coding-DNA position 3719, one base deleted (C; older notation c.3719delC).
Protein change: p.Pro1240fs; shifts the reading frame from proline 1240.
Molecular consequence: frameshift variant.
Genome position (GRCh38, 1-based): chr19:42,288,948, C deleted; the last of 2 consecutive C bases (chr19:42,288,947-42,288,948); deleting either gives the same sequence. VCF-style (leftmost placement, unchanged base first): chr19-42288946-TC-T. GRCh37 (hg19) VCF-style: chr19-42793098-TC-T.
Other names: c.3719del, p.Pro1240fs (NM_001304815.2, NM_001379480.1, NM_001379482.1 and 6 more transcripts); c.992del, p.Pro331fs (NM_001379484.1, NM_001379485.1, NM_001439189.1 and 3 more transcripts); short protein forms P1240fs, P331fs.
Identifiers: ClinVar variation 4228914 (VCV004228914.1).

ClinVar aggregate classification (germline): Pathogenic (1 of 4 stars; one submission).

Conditions:
Inborn genetic diseases. Identifiers: MedGen C0950123, MeSH D030342.

Submission:

Ambry Genetics
Classification: Pathogenic for Inborn genetic diseases. Last evaluated: 2025-09-02. Review status: criteria provided, single submitter. Criteria: Ambry Variant Classification Scheme 2023. Collection method: clinical testing. Allele origin: germline.
Comment: The c.992delC (p.P331Rfs*38) alteration, located in exon 7 (coding exon 7) of the CIC gene, consists of a deletion of one nucleotide at position 992, causing a translational frameshift with a predicted alternate stop codon after 38 amino acids. This alteration is expected to result in loss of function by premature protein truncation or nonsense-mediated mRNA decay. This variant was not reported in population-based cohorts in the Genome Aggregation Database (gnomAD). Based on the available evidence, this alteration is classified as pathogenic.